The following is an entry in ClinVar:

NM_000094.4(COL7A1):c.8005_8009dup (p.Gly2671fs)

Gene: COL7A1 (collagen type VII alpha 1 chain; minus strand). Cytogenetic location: 3p21.31.
Variant type: Duplication.
Coding change: c.8005_8009dup on transcript NM_000094.4 (MANE Select); coding-DNA positions 8005 to 8009, 5 bases duplicated (CAGTC; older notation c.8005_8009dupCAGTC).
Protein change: p.Gly2671fs; shifts the reading frame from glycine 2671.
Molecular consequence: frameshift variant.
Genome position (GRCh38, 1-based): chr3:48,567,611-48,567,615, GACTG duplicated on the plus strand (CAGTC on the coding strand, the reverse complement: COL7A1 is on the minus strand); duplicating any 5 consecutive bases within chr3:48,567,611-48,567,616 gives the same sequence; the c. name uses the placement nearest the transcript's 3' end. VCF-style (leftmost placement, unchanged base first): chr3-48567610-C-CGACTG. GRCh37 (hg19) VCF-style: chr3-48605043-C-CGACTG.
Other names: short protein forms G2671fs.
Identifiers: ClinVar variation 1451226 (VCV001451226.6), dbSNP rs2107635110, ClinGen allele CA2573137108.
Genomic context (GRCh38, chr3:48,567,610, plus strand): 5'-GTCCACTGTCCACAGACCCTGTACCTTGGGACCGATCAGGCCCTCCTTGCCAGGGGCCCC[C>CGACTG]GACTGGCCCGGCACACCAGGCTCCCCCTGGAGAAAAAAAGACATGAACTTGGCCCCCGTC-3'

ClinVar aggregate classification (germline): Pathogenic (1 of 4 stars; one submission).

Submission:

Labcorp Genetics (formerly Invitae), Labcorp
Classification: Pathogenic. Last evaluated: 2021-02-24. Review status: criteria provided, single submitter. Criteria: Invitae Variant Classification Sherloc (09022015). Collection method: clinical testing. Allele origin: germline.
Comment: For these reasons, this variant has been classified as Pathogenic. This sequence change creates a premature translational stop signal (p.Gly2671Serfs*10) in the COL7A1 gene. It is expected to result in an absent or disrupted protein product. Loss-of-function variants in COL7A1 are known to be pathogenic (PMID: 16971478). This variant is not present in population databases (ExAC no frequency). This variant has not been reported in the literature in individuals with COL7A1-related conditions.

Literature cited by the submitters: PubMed 16971478.